The following is an entry in ClinVar:

NM_147127.5(EVC2):c.3511G>A (p.Ala1171Thr)

Gene: EVC2 (EvC ciliary complex subunit 2; minus strand). Cytogenetic location: 4p16.2.
Variant type: single nucleotide variant.
Coding change: c.3511G>A on transcript NM_147127.5 (MANE Select); coding-DNA position 3511, G replaced by A.
Protein change: p.Ala1171Thr; replaces alanine 1171 with threonine.
Molecular consequence: missense variant.
Genome position (GRCh38, 1-based): chr4:5,568,490, C>T on the plus strand (G>A on the coding strand, the complement: EVC2 is on the minus strand). VCF-style: chr4-5568490-C-T. GRCh37 (hg19) VCF-style: chr4-5570217-C-T.
Other names: c.3271G>A, p.Ala1091Thr (NM_001166136.2); short protein forms A1091T, A1171T.
Identifiers: ClinVar variation 3758937 (VCV003758937.2).

ClinVar aggregate classification (germline): Uncertain significance (1 of 4 stars; one submission).

Conditions:
Curry-Hall syndrome (WAD). Also called: WEYERS ACRODENTAL DYSOSTOSIS. Identifiers: Orphanet 952, MedGen C0457013, MONDO:0008673, OMIM 193530.
Ellis-van Creveld syndrome (EVC). Also called: EVC-Related Ellis-van Creveld Syndrome; EVC2-Related Ellis-van Creveld Syndrome; MESOECTODERMAL DYSPLASIA; Chondroectodermal dysplasia. Identifiers: Orphanet 289, MedGen C0013903, MONDO:0009162, OMIM 225500.

gnomAD v4.1: 59 of 1,583,924 alleles (0.0037%); highest among the groups gnomAD compares: Non-Finnish European, 0.0049%; no homozygotes.

Submission:

Labcorp Genetics (formerly Invitae), Labcorp
Classification: Uncertain significance for Curry-Hall syndrome; Ellis-van Creveld syndrome. Last evaluated: 2024-11-04. Review status: criteria provided, single submitter. Criteria: Invitae Variant Classification Sherloc (09022015). Collection method: clinical testing. Allele origin: germline.
Comment: This sequence change replaces alanine, which is neutral and non-polar, with threonine, which is neutral and polar, at codon 1171 of the EVC2 protein (p.Ala1171Thr). The frequency data for this variant in the population databases is considered unreliable, as metrics indicate poor data quality at this position in the gnomAD database. This variant has not been reported in the literature in individuals affected with EVC2-related conditions. An algorithm developed to predict the effect of missense changes on protein structure and function (PolyPhen-2) suggests that this variant is likely to be tolerated. In summary, the available evidence is currently insufficient to determine the role of this variant in disease. Therefore, it has been classified as a Variant of Uncertain Significance.